The following is an entry in ClinVar:

NM_001613.4(ACTA2):c.130-2del

Gene: ACTA2 (actin alpha 2, smooth muscle; minus strand). Cytogenetic location: 10q23.31.
Variant type: Deletion.
Coding change: c.130-2del on transcript NM_001613.4 (MANE Select); the canonical splice acceptor site of the intron before coding-DNA position 130, one base deleted (A; older notation c.130-2delA).
Molecular consequence: splice acceptor variant. On other transcripts: intron variant (3).
Genome position (GRCh38, 1-based): chr10:88,947,388, T deleted on the plus strand (A on the coding strand, the reverse complement: ACTA2 is on the minus strand). VCF-style (leftmost placement, unchanged base first): chr10-88947387-CT-C. GRCh37 (hg19) VCF-style: chr10-90707144-CT-C.
Other names: c.129+1414del (NM_001406467.1, NM_001406468.1, NM_001406469.1); c.130-2del (NM_001320855.2, NM_001406462.1, NM_001406471.1 and 4 more transcripts).
Identifiers: ClinVar variation 3895455 (VCV003895455.2).

ClinVar aggregate classification (germline): Pathogenic/Likely pathogenic. Review status: criteria provided, multiple submitters, no conflicts (2 of 4 stars). 2 submissions from 2 submitters: Pathogenic (1); Likely pathogenic (1). Last evaluated 2025-03-06.

Conditions:
ACTA2-related disorder. Also called: ACTA2-related condition; ACTA2-related disorders.
Cardiovascular phenotype. Identifiers: MedGen CN230736.

Submissions (2):

Molecular Diagnostic Laboratory for Inherited Cardiovascular Disease, Montreal Heart Institute
Classification: Likely pathogenic for Cardiovascular phenotype. Last evaluated: 2025-03-06. Review status: criteria provided, single submitter. Criteria: ACMG Guidelines, 2015. Collection method: clinical testing. Allele origin: germline. Affected: yes.
Comment: PVS1_strong, PM2

Blueprint Genetics
Classification: Pathogenic for ACTA2-related disorders. Last evaluated: 2024-05-10. Review status: criteria provided, single submitter. Criteria: ACMG Guidelines, 2015. Collection method: clinical testing. Allele origin: germline. Affected: yes. Observed: 5 variant alleles.